The following is an entry in ClinVar:

ClinVar aggregate classification (germline): Uncertain significance (1 of 4 stars; one submission).

Allele frequency attached by ClinVar (database versions not stated): gnomAD exomes below 0.00001; gnomAD 0.00001; TOPMed 0.00001.
gnomAD v4.1: 3 of 1,612,618 alleles (0.00019%); highest among the groups gnomAD compares: South Asian, 0.0022%; no homozygotes.

Submission:

Labcorp Genetics (formerly Invitae), Labcorp
Classification: Uncertain significance. Last evaluated: 2024-01-22. Review status: criteria provided, single submitter. Criteria: Invitae Variant Classification Sherloc (09022015). Collection method: clinical testing. Allele origin: germline.
Comment: This sequence change replaces valine, which is neutral and non-polar, with methionine, which is neutral and non-polar, at codon 178 of the RNASET2 protein (p.Val178Met). This variant is not present in population databases (gnomAD no frequency). This variant has not been reported in the literature in individuals affected with RNASET2-related conditions. ClinVar contains an entry for this variant (Variation ID: 1970869). Advanced modeling of protein sequence and biophysical properties (such as structural, functional, and spatial information, amino acid conservation, physicochemical variation, residue mobility, and thermodynamic stability) has been performed at Invitae for this missense variant, however the output from this modeling did not meet the statistical confidence thresholds required to predict the impact of this variant on RNASET2 protein function. In summary, the available evidence is currently insufficient to determine the role of this variant in disease. Therefore, it has been classified as a Variant of Uncertain Significance.

NM_003730.6(RNASET2):c.532G>A (p.Val178Met)

Gene: RNASET2 (ribonuclease T2; minus strand). Cytogenetic location: 6q27.
Variant type: single nucleotide variant.
Coding change: c.532G>A on transcript NM_003730.6 (MANE Select); coding-DNA position 532, G replaced by A.
Protein change: p.Val178Met; replaces valine 178 with methionine.
Molecular consequence: missense variant.
Genome position (GRCh38, 1-based): chr6:166,931,079, C>T on the plus strand (G>A on the coding strand, the complement: RNASET2 is on the minus strand). VCF-style: chr6-166931079-C-T. GRCh37 (hg19) VCF-style: chr6-167344567-C-T.
Other names: short protein forms V178M.
Identifiers: ClinVar variation 1970869 (VCV001970869.5), dbSNP rs1239284254, ClinGen allele CA366409395.